The following is an entry in ClinVar:

ClinVar aggregate classification (germline): Uncertain significance (1 of 4 stars; one submission).

Conditions:
Inborn genetic diseases. Identifiers: MedGen C0950123, MeSH D030342.

Submission:

Ambry Genetics
Classification: Uncertain significance for Inborn genetic diseases. Last evaluated: 2024-10-19. Review status: criteria provided, single submitter. Criteria: Ambry Variant Classification Scheme 2023. Collection method: clinical testing. Allele origin: germline.
Comment: The p.H1140R variant (also known as c.3419A>G), located in coding exon 25 of the LRRK2 gene, results from an A to G substitution at nucleotide position 3419. The histidine at codon 1140 is replaced by arginine, an amino acid with highly similar properties. This amino acid position is conserved. In addition, this alteration is predicted to be tolerated by in silico analysis. Based on the available evidence, the clinical significance of this variant remains unclear.

NM_198578.4(LRRK2):c.3419A>G (p.His1140Arg)

Gene: LRRK2 (leucine rich repeat kinase 2; plus strand). Cytogenetic location: 12q12.
Variant type: single nucleotide variant.
Coding change: c.3419A>G on transcript NM_198578.4 (MANE Select); coding-DNA position 3419, A replaced by G.
Protein change: p.His1140Arg; replaces histidine 1140 with arginine.
Molecular consequence: missense variant.
Genome position (GRCh38, 1-based): chr12:40,299,180, A>G. VCF-style: chr12-40299180-A-G. GRCh37 (hg19) VCF-style: chr12-40692982-A-G.
Other names: short protein forms H1140R.
Identifiers: ClinVar variation 3540740 (VCV003540740.1).
Genomic context (GRCh38, chr12:40,299,180, plus strand): 5'-CAGGGATATGCTCCCCCTTGAGACTGAAGGAACTGAAGATTTTAAACCTTAGTAAGAACC[A>G]CATTTCATCCCTATCAGAGAACTTTCTTGAGGCTTGTCCTAAAGTGGAGAGTTTCAGTGC-3'
Protein context (NP_940980.4, residues 1130-1150): ELKILNLSKN[His1140Arg]ISSLSENFLE